The following is an entry in ClinVar:

ClinVar aggregate classification (germline): Benign (1 of 4 stars; one submission).

Conditions:
Leigh syndrome (NULS). Also called: Leigh's necrotizing encephalopathy; Leigh's disease; Leigh's syndrome; Leigh Syndrome (mtDNA deletion); Leigh Disease; LEIGH SYNDROME, NUCLEAR. Identifiers: Orphanet 506, MedGen C2931891, MONDO:0009723, OMIM 256000.

Allele frequency attached by ClinVar (database versions not stated): 1000 Genomes Project 30x 0.82277; 1000 Genomes Project 0.82628; gnomAD 0.83937 and 0.84064; gnomAD exomes 0.87174; TOPMed 0.83512.
gnomAD v4.1: 853,855 of 985,112 alleles (87%); highest among the groups gnomAD compares: Middle Eastern, 90%; 370,727 homozygotes.

Submission:

Illumina Laboratory Services, Illumina
Classification: Benign for Leigh syndrome. Last evaluated: 2018-01-13. Review status: criteria provided, single submitter. Criteria: ICSL Variant Classification Criteria 13 December 2019. Collection method: clinical testing. Allele origin: germline.
Comment: This variant was observed in the ICSL laboratory as part of a predisposition screen in an ostensibly healthy population. It had not been previously curated by ICSL or reported in the Human Gene Mutation Database (HGMD: prior to June 1st, 2018), and was therefore a candidate for classification through an automated scoring system. Utilizing variant allele frequency, disease prevalence and penetrance estimates, and inheritance mode, an automated score was calculated to assess if this variant is too frequent to cause the disease. Based on the score and internal cut-off values, a variant classified as benign is not then subjected to further curation. The score for this variant resulted in a classification of benign for this disease.

NM_004376.5(COX15):c.*3566C>T

Genes: ENTPD7 (ectonucleoside triphosphate diphosphohydrolase 7; plus strand), COX15 (cytochrome c oxidase assembly factor COX15; minus strand). Cytogenetic location: 10q24.2.
Variant type: single nucleotide variant.
Coding change: c.*3566C>T on transcript NM_004376.5; 3566 bases downstream of the stop codon, C replaced by T.
Molecular consequence: 3 prime UTR variant (on NM_020354.5). On other transcripts: intron variant (1).
Genome position (GRCh38, 1-based): chr10:99,709,848, G>A on the plus strand (C>T on the coding strand, the complement: COX15 is on the minus strand). VCF-style: chr10-99709848-G-A. GRCh37 (hg19) VCF-style: chr10-101469605-G-A.
Other names: c.*4739C>T (NM_078470.4); c.*5165G>A (NM_001349962.2, NM_001349963.2, NM_020354.5); c.1101+6500C>T (NM_001320974.2).
Identifiers: ClinVar variation 298375 (VCV000298375.7), dbSNP rs2300983, ClinGen allele CA10636676.